The following is an entry in ClinVar:

NM_007118.4(TRIO):c.7114C>A (p.Pro2372Thr)

Gene: TRIO (trio Rho guanine nucleotide exchange factor; plus strand). Cytogenetic location: 5p15.2.
Variant type: single nucleotide variant.
Coding change: c.7114C>A on transcript NM_007118.4 (MANE Select); coding-DNA position 7114, C replaced by A.
Protein change: p.Pro2372Thr; replaces proline 2372 with threonine.
Molecular consequence: missense variant.
Genome position (GRCh38, 1-based): chr5:14,487,742, C>A. VCF-style: chr5-14487742-C-A. GRCh37 (hg19) VCF-style: chr5-14487851-C-A.
Other names: short protein forms P2372T.
Identifiers: ClinVar variation 3902265 (VCV003902265.1).

ClinVar aggregate classification (germline): Uncertain significance (1 of 4 stars; one submission).

gnomAD v4.1: 5 of 1,406,600 alleles (0.00036%); highest among the groups gnomAD compares: African/African-American, 0.0061%; no homozygotes.

Submission:

Women's Health and Genetics/Laboratory Corporation of America, LabCorp
Classification: Uncertain significance. Last evaluated: 2025-05-13. Review status: criteria provided, single submitter. Criteria: LabCorp Variant Classification Summary - May 2015. Collection method: clinical testing. Allele origin: germline.
Comment: Variant summary: TRIO c.7114C>A (p.Pro2372Thr) results in a non-conservative amino acid change in the encoded protein sequence. Algorithms developed to predict the effect of missense changes on protein structure and function are either unavailable or do not agree on the potential impact of this missense change. The variant was absent in 118610 control chromosomes (gnomAD). The available data on variant occurrences in the general population are insufficient to allow any conclusion about variant significance. To our knowledge, no occurrence of c.7114C>A in individuals affected with TRIO-Related Intellectual Disability and no experimental evidence demonstrating its impact on protein function have been reported. No submitters have cited clinical-significance assessments for this variant to ClinVar. Based on the evidence outlined above, the variant was classified as uncertain significance.